The following is an entry in ClinVar:

ClinVar aggregate classification (germline): Uncertain significance (1 of 4 stars; one submission).

Conditions:
Perlman syndrome (PRLMNS). Identifiers: Orphanet 2849, MedGen C0796113, MONDO:0009965, OMIM 267000.

gnomAD v4.1: 3 of 1,613,656 alleles (0.00019%); no homozygotes.

Submission:

Labcorp Genetics (formerly Invitae), Labcorp
Classification: Uncertain significance for Perlman syndrome. Last evaluated: 2022-04-08. Review status: criteria provided, single submitter. Criteria: Invitae Variant Classification Sherloc (09022015). Collection method: clinical testing. Allele origin: germline.
Comment: In summary, the available evidence is currently insufficient to determine the role of this variant in disease. Therefore, it has been classified as a Variant of Uncertain Significance. Algorithms developed to predict the effect of missense changes on protein structure and function are either unavailable or do not agree on the potential impact of this missense change (SIFT: "Deleterious"; PolyPhen-2: "Probably Damaging"; Align-GVGD: "Class C0"). This variant has not been reported in the literature in individuals affected with DIS3L2-related conditions. This variant is not present in population databases (gnomAD no frequency). This sequence change replaces leucine, which is neutral and non-polar, with valine, which is neutral and non-polar, at codon 436 of the DIS3L2 protein (p.Leu436Val).

NM_152383.5(DIS3L2):c.1306T>G (p.Leu436Val)

Gene: DIS3L2 (DIS3 like 3'-5' exoribonuclease 2; plus strand). Cytogenetic location: 2q37.1.
Variant type: single nucleotide variant.
Coding change: c.1306T>G on transcript NM_152383.5 (MANE Select); coding-DNA position 1306, T replaced by G.
Protein change: p.Leu436Val; replaces leucine 436 with valine.
Molecular consequence: missense variant. On other transcripts: non-coding transcript variant (2).
Genome position (GRCh38, 1-based): chr2:232,238,634, T>G. VCF-style: chr2-232238634-T-G. GRCh37 (hg19) VCF-style: chr2-233103344-T-G.
Other names: c.1306T>G, p.Leu436Val (NM_001257281.2); short protein forms L436V.
Identifiers: ClinVar variation 2054678 (VCV002054678.4), dbSNP rs2470030631, ClinGen allele CA351154772.